The following is an entry in ClinVar:

NM_000530.8(MPZ):c.136G>C (p.Val46Leu)

Gene: MPZ (myelin protein zero; minus strand). Cytogenetic location: 1q23.3.
Variant type: single nucleotide variant.
Coding change: c.136G>C on transcript NM_000530.8 (MANE Select); coding-DNA position 136, G replaced by C.
Protein change: p.Val46Leu; replaces valine 46 with leucine.
Molecular consequence: missense variant.
Genome position (GRCh38, 1-based): chr1:161,307,356, C>G on the plus strand (G>C on the coding strand, the complement: MPZ is on the minus strand). VCF-style: chr1-161307356-C-G. GRCh37 (hg19) VCF-style: chr1-161277146-C-G.
Other names: c.136G>C, p.Val46Leu (NM_001315491.2); short protein forms V46L.
Identifiers: ClinVar variation 1390060 (VCV001390060.8), dbSNP rs1571820190, ClinGen allele CA343351309.

ClinVar aggregate classification (germline): Uncertain significance (1 of 4 stars; one submission).

Conditions:
Charcot-Marie-Tooth disease, type I (CMT1). Also called: Charcot-Marie-Tooth, Type 1; Charcot-Marie-Tooth disease type 1. Identifiers: Orphanet 65753, MedGen C0751036, MONDO:0019011.

Submission:

Labcorp Genetics (formerly Invitae), Labcorp
Classification: Uncertain significance for Charcot-Marie-Tooth disease, type I. Last evaluated: 2020-11-10. Review status: criteria provided, single submitter. Criteria: Invitae Variant Classification Sherloc (09022015). Collection method: clinical testing. Allele origin: germline.
Comment: This sequence change replaces valine with leucine at codon 46 of the MPZ protein (p.Val46Leu). The valine residue is highly conserved and there is a small physicochemical difference between valine and leucine. This variant is not present in population databases (ExAC no frequency). This variant has not been reported in the literature in individuals with MPZ-related conditions. Algorithms developed to predict the effect of missense changes on protein structure and function (SIFT, PolyPhen-2, Align-GVGD) all suggest that this variant is likely to be disruptive, but these predictions have not been confirmed by published functional studies and their clinical significance is uncertain. In summary, the available evidence is currently insufficient to determine the role of this variant in disease. Therefore, it has been classified as a Variant of Uncertain Significance.